The following is an entry in ClinVar:

NM_007332.3(TRPA1):c.1793C>T (p.Thr598Met)

Genes: MSC-AS1 (MSC antisense RNA 1; plus strand), TRPA1 (transient receptor potential cation channel subfamily A member 1; minus strand). Cytogenetic location: 8q21.11.
Variant type: single nucleotide variant.
Coding change: c.1793C>T on transcript NM_007332.3 (MANE Select); coding-DNA position 1793, C replaced by T.
Protein change: p.Thr598Met; replaces threonine 598 with methionine.
Molecular consequence: missense variant. On other transcripts: non-coding transcript variant (2).
Genome position (GRCh38, 1-based): chr8:72,052,617, G>A on the plus strand (C>T on the coding strand, the complement: TRPA1 is on the minus strand). VCF-style: chr8-72052617-G-A. GRCh37 (hg19) VCF-style: chr8-72964852-G-A.
Other names: short protein forms T598M.
Identifiers: ClinVar variation 3375441 (VCV003375441.1).

ClinVar aggregate classification (germline): Uncertain significance (1 of 4 stars; one submission).

gnomAD v4.1: 374 of 1,613,308 alleles (0.023%); highest among the groups gnomAD compares: Non-Finnish European, 0.029%; no homozygotes.

Submission:

Women's Health and Genetics/Laboratory Corporation of America, LabCorp
Classification: Uncertain significance. Last evaluated: 2024-09-17. Review status: criteria provided, single submitter. Criteria: LabCorp Variant Classification Summary - May 2015. Collection method: clinical testing. Allele origin: germline.
Comment: Variant summary: TRPA1 c.1793C>T (p.Thr598Met) results in a non-conservative amino acid change in the encoded protein sequence. Four of five in-silico tools predict a benign effect of the variant on protein function. The variant allele was found at a frequency of 8.8e-05 in 251220 control chromosomes. This frequency is not significantly higher than estimated for a pathogenic variant in TRPA1 causing Familial episodic pain syndrome with predominantly upper body involvement, allowing no conclusion about variant significance. To our knowledge, no occurrence of c.1793C>T in individuals affected with Familial episodic pain syndrome with predominantly upper body involvement and no experimental evidence demonstrating its impact on protein function have been reported. No submitters have cited clinical-significance assessments for this variant to ClinVar. Based on the evidence outlined above, the variant was classified as uncertain significance.